The following is an entry in ClinVar:

ClinVar aggregate classification (germline): Pathogenic (1 of 4 stars; one submission).

Conditions:
Hereditary cancer-predisposing syndrome. Also called: Hereditary neoplastic syndrome; Neoplastic Syndromes, Hereditary; Tumor predisposition; Hereditary Cancer Syndrome. Identifiers: Orphanet 140162, MedGen C0027672, MeSH D009386, MONDO:0015356.

Submission:

Ambry Genetics
Classification: Pathogenic for Hereditary cancer-predisposing syndrome. Last evaluated: 2024-12-20. Review status: criteria provided, single submitter. Criteria: Ambry Variant Classification Scheme 2023. Collection method: clinical testing. Allele origin: germline.
Comment: The c.4046_4047delTTinsC pathogenic mutation, located in coding exon 10 of the BRCA2 gene, results from the deletion of two nucleotides and insertion of one nucleotide causing a translational frameshift with a predicted alternate stop codon (p.I1349Tfs*25). This variant is considered to be rare based on population cohorts in the Genome Aggregation Database (gnomAD). This alteration is expected to result in loss of function by premature protein truncation or nonsense-mediated mRNA decay. As such, this alteration is interpreted as a disease-causing mutation.

NM_000059.4(BRCA2):c.4046_4047delinsC (p.Ile1349fs)

Gene: BRCA2 (BRCA2 DNA repair associated; plus strand). Cytogenetic location: 13q13.1.
Variant type: Indel.
Coding change: c.4046_4047delinsC on transcript NM_000059.4 (MANE Select); coding-DNA positions 4046 to 4047, TT replaced by C.
Protein change: p.Ile1349fs; shifts the reading frame from isoleucine 1349.
Molecular consequence: frameshift variant. On other transcripts: non-coding transcript variant (1), intron variant (2).
Genome position (GRCh38, 1-based): chr13:32,338,401-32,338,402, TT replaced by C. VCF-style: chr13-32338401-TT-C. GRCh37 (hg19) VCF-style: chr13-32912538-TT-C.
Other names: c.4046_4047delinsC, p.Ile1349fs (NM_001406719.1, NM_001406720.1, NM_001432077.1); c.1909+5014_1909+5015delinsC (NM_001406721.1); c.425-6157_425-6156delinsC (NM_001406722.1); short protein forms I1349fs.
Identifiers: ClinVar variation 3825390 (VCV003825390.1).
Genomic context (GRCh38, chr13:32,338,401, plus strand): 5'-GAAATTCTCATAACTTAGAATTTGATGGCAGTGATTCAAGTAAAAATGATACTGTTTGTA[TT>C]CATAAAGATGAAACGGACTTGCTATTTACTGATCAGCACAACATATGTCTTAAATTATCT-3'